The following is an entry in ClinVar:

ClinVar aggregate classification (germline): Uncertain significance (1 of 4 stars; one submission).

Submission:

GeneDx
Classification: Uncertain significance. Last evaluated: 2019-10-16. Review status: criteria provided, single submitter. Criteria: GeneDx Variant Classification Process June 2021. Collection method: clinical testing. Allele origin: germline. Affected: yes.
Comment: Not observed in large population cohorts (Lek et al., 2016); In silico analysis, which includes protein predictors and evolutionary conservation, supports that this variant does not alter protein structure/function; Has not been previously published as pathogenic or benign to our knowledge

NM_004211.5(SLC6A5):c.194C>G (p.Ala65Gly)

Gene: SLC6A5 (solute carrier family 6 member 5; plus strand). Cytogenetic location: 11p15.1.
Variant type: single nucleotide variant.
Coding change: c.194C>G on transcript NM_004211.5 (MANE Select); coding-DNA position 194, C replaced by G.
Protein change: p.Ala65Gly; replaces alanine 65 with glycine.
Molecular consequence: missense variant. On other transcripts: 5 prime UTR variant (1).
Genome position (GRCh38, 1-based): chr11:20,601,319, C>G. VCF-style: chr11-20601319-C-G. GRCh37 (hg19) VCF-style: chr11-20622865-C-G.
Other names: c.-370C>G (NM_001318369.2); short protein forms A65G.
Identifiers: ClinVar variation 1309028 (VCV001309028.2), dbSNP rs768245472, ClinGen allele CA379911323.